The following is an entry in ClinVar:

ClinVar aggregate classification (germline): Likely benign (1 of 4 stars; one submission).

Submission:

CeGaT Center for Human Genetics Tuebingen
Classification: Likely benign. Last evaluated: 2025-12-01. Review status: criteria provided, single submitter. Criteria: CeGaT Center For Human Genetics Tuebingen Variant Classification Criteria Version 2. Collection method: clinical testing. Allele origin: germline. Affected: yes. Observed: 1 variant allele.
Comment: TANC2: PM2:Supporting, BP4, BP7

NM_001394998.1(TANC2):c.5292C>T (p.Ser1764=)

Gene: TANC2 (tetratricopeptide repeat, ankyrin repeat and coiled-coil containing 2; plus strand). Cytogenetic location: 17q23.3.
Variant type: single nucleotide variant.
Coding change: c.5292C>T on transcript NM_001394998.1 (MANE Select); coding-DNA position 5292, C replaced by T.
Protein change: p.Ser1764=; no amino-acid change (serine 1764 retained).
Molecular consequence: synonymous variant.
Genome position (GRCh38, 1-based): chr17:63,421,022, C>T. VCF-style: chr17-63421022-C-T. GRCh37 (hg19) VCF-style: chr17-61498383-C-T.
Other names: c.5070C>T, p.Ser1690= (NM_001411076.1); c.5040C>T, p.Ser1680= (NM_025185.4).
Identifiers: ClinVar variation 4821047 (VCV004821047.4).